The following is an entry in ClinVar:

ClinVar aggregate classification (germline): Pathogenic (1 of 4 stars; one submission).

Submission:

Labcorp Genetics (formerly Invitae), Labcorp
Classification: Pathogenic. Last evaluated: 2024-09-01. Review status: criteria provided, single submitter. Criteria: Invitae Variant Classification Sherloc (09022015). Collection method: clinical testing. Allele origin: germline.
Comment: This sequence change creates a premature translational stop signal (p.Asn53Metfs*15) in the ALPL gene. It is expected to result in an absent or disrupted protein product. Loss-of-function variants in ALPL are known to be pathogenic (PMID: 3174660, 10679946, 32973344, 33814268). This variant is not present in population databases (gnomAD no frequency). This variant has not been reported in the literature in individuals affected with ALPL-related conditions. For these reasons, this variant has been classified as Pathogenic.

Literature cited by the submitters: PubMed 3174660; PubMed 10679946; PubMed 32973344; PubMed 33814268.

NM_000478.6(ALPL):c.158del (p.Asn53fs)

Gene: ALPL (alkaline phosphatase, biomineralization associated; plus strand). Cytogenetic location: 1p36.12.
Variant type: Deletion.
Coding change: c.158del on transcript NM_000478.6 (MANE Select); coding-DNA position 158, one base deleted (A; older notation c.158delA).
Protein change: p.Asn53fs; shifts the reading frame from asparagine 53.
Molecular consequence: frameshift variant. On other transcripts: 5 prime UTR variant (1).
Genome position (GRCh38, 1-based): chr1:21,560,722, A deleted; the last of 2 consecutive A bases (chr1:21,560,721-21,560,722); deleting either gives the same sequence. VCF-style (leftmost placement, unchanged base first): chr1-21560720-GA-G. GRCh37 (hg19) VCF-style: chr1-21887213-GA-G.
Other names: c.-8del (NM_001127501.4); c.43del, p.Met15fs (NM_001177520.3); c.158del, p.Asn53fs (NM_001369803.2, NM_001369804.2, NM_001369805.2); short protein forms N53fs, M15fs.
Identifiers: ClinVar variation 3664209 (VCV003664209.2).
Genomic context (GRCh38, chr1:21,560,720, plus strand): 5'-AGCGCAAGAGACACTGAAATATGCCCTGGAGCTTCAGAAGCTCAACACCAACGTGGCTAA[GA>G]ATGTCATCATGTTCCTGGGAGATGGTGAGGCCCAGGGGCCTGTGGGAGGGGTGGAACAGG-3'